The following is an entry in ClinVar:

NM_016180.5(SLC45A2):c.856C>T (p.Gln286Ter)

Gene: SLC45A2 (solute carrier family 45 member 2; minus strand). Cytogenetic location: 5p13.2.
Variant type: single nucleotide variant.
Coding change: c.856C>T on transcript NM_016180.5 (MANE Select); coding-DNA position 856, C replaced by T.
Protein change: p.Gln286Ter; replaces glutamine 286 with a stop codon.
Molecular consequence: nonsense. On other transcripts: intron variant (1).
Genome position (GRCh38, 1-based): chr5:33,963,723, G>A on the plus strand (C>T on the coding strand, the complement: SLC45A2 is on the minus strand). VCF-style: chr5-33963723-G-A. GRCh37 (hg19) VCF-style: chr5-33963828-G-A.
Other names: c.856C>T, p.Gln286Ter (NM_001012509.4); c.563-9219C>T (NM_001297417.4); short protein forms Q286*.
Identifiers: ClinVar variation 196474 (VCV000196474.9), dbSNP rs794727511, ClinGen allele CA275184.

ClinVar aggregate classification (germline): Pathogenic. Review status: criteria provided, multiple submitters, no conflicts (2 of 4 stars). 2 submissions from 2 submitters: Pathogenic (2). Last evaluated 2025-10-09.

Submissions (2):

Labcorp Genetics (formerly Invitae), Labcorp
Classification: Pathogenic. Last evaluated: 2025-10-09. Review status: criteria provided, single submitter. Criteria: Invitae Variant Classification Sherloc (09022015). Collection method: clinical testing. Allele origin: germline.
Comment: This sequence change creates a premature translational stop signal (p.Gln286*) in the SLC45A2 gene. It is expected to result in an absent or disrupted protein product. Loss-of-function variants in SLC45A2 are known to be pathogenic (PMID: 21458243, 26573111). This variant is not present in population databases (gnomAD no frequency). This variant has not been reported in the literature in individuals affected with SLC45A2-related conditions. ClinVar contains an entry for this variant (Variation ID: 196474). Algorithms developed to predict the effect of sequence changes on RNA splicing suggest that this variant may disrupt the consensus splice site. For these reasons, this variant has been classified as Pathogenic.

Eurofins Ntd Llc (ga)
Classification: Pathogenic. Last evaluated: 2015-01-22. Review status: criteria provided, single submitter. Criteria: EGL Classification Definitions 2015. Collection method: clinical testing. Allele origin: germline. Observed: 1 variant allele, 1 homozygote.

Literature cited by the submitters: PubMed 21458243 (cited by Labcorp Genetics (formerly Invitae), Labcorp); PubMed 26573111 (cited by Labcorp Genetics (formerly Invitae), Labcorp).